The following is an entry in ClinVar:

NM_000548.5(TSC2):c.5138G>A (p.Arg1713His)

Gene: TSC2 (TSC complex subunit 2; plus strand). Cytogenetic location: 16p13.3.
Variant type: single nucleotide variant.
Coding change: c.5138G>A on transcript NM_000548.5 (MANE Select); coding-DNA position 5138, G replaced by A.
Protein change: p.Arg1713His; replaces arginine 1713 with histidine.
Molecular consequence: missense variant.
Genome position (GRCh38, 1-based): chr16:2,088,117, G>A. VCF-style: chr16-2088117-G-A. GRCh37 (hg19) VCF-style: chr16-2138118-G-A.
Other names: p.Arg1713His; c.4937G>A, p.Arg1646His (NM_001077183.3); c.5069G>A, p.Arg1690His (NM_001114382.3); c.4829G>A, p.Arg1610His (NM_001318827.2); c.4793G>A, p.Arg1598His (NM_001318829.2); c.4406G>A, p.Arg1469His (NM_001318831.2); c.4970G>A, p.Arg1657His (NM_001318832.2); c.4940G>A, p.Arg1647His (NM_001363528.2); and 2 more; short protein forms R1713H, R1598H, R1610H, R1657H, R1670H, R1690H, R1469H, R1646H.
Identifiers: ClinVar variation 49930 (VCV000049930.73), dbSNP rs45517395, ClinGen allele CA021840.

ClinVar aggregate classification (germline): Pathogenic/Likely pathogenic. Review status: criteria provided, multiple submitters, no conflicts (2 of 4 stars). 14 submissions from 14 submitters: Pathogenic (8); Likely pathogenic (4). 2 of the submissions do not count toward it. Last evaluated 2026-09-20.

Conditions:
TSC2-related disorder. Also called: TSC2-related condition; TSC2-Related Disorders.
Lymphangiomyomatosis (LAM). Also called: Lymphangioleiomyomatosis; Lymphangioleiomyomatosis, somatic. Identifiers: Orphanet 538, MedGen C0751674, MONDO:0011705, OMIM 606690.
Isolated focal cortical dysplasia type II (FCORD2). Also called: CORTICAL DYSPLASIA OF TAYLOR; Focal cortical dysplasia type II. Identifiers: Orphanet 268994, MedGen C1846385, MONDO:0011818, OMIM 607341, HP:0032051.
Tuberous sclerosis 2 (TSC2). Identifiers: Orphanet 805, MedGen C1860707, MONDO:0013199, OMIM 613254.
Hereditary cancer-predisposing syndrome. Also called: Hereditary Cancer Syndrome; Tumor predisposition; Neoplastic Syndromes, Hereditary; Hereditary neoplastic syndrome. Identifiers: Orphanet 140162, MedGen C0027672, MeSH D009386, MONDO:0015356.
Tuberous sclerosis syndrome (TSC). Also called: Tuberous Sclerosis Complex; Tuberous sclerosis. Identifiers: Orphanet 805, MedGen C0041341, MONDO:0001734.

Allele frequency attached by ClinVar (database versions not stated): gnomAD 0.00001; gnomAD exomes below 0.00001; TOPMed below 0.00001.
gnomAD v4.1: 4 of 1,612,788 alleles (0.00025%); highest among the groups gnomAD compares: Admixed American, 0.0017%; no homozygotes.

Submissions (14):

GeneDx
Classification: Pathogenic. Last evaluated: 2026-09-20. Review status: criteria provided, single submitter. Criteria: GeneDx Variant Classification Process June 2021. Collection method: clinical testing. Allele origin: germline.
Comment: Published functional studies demonstrate a damaging effect, as the variant results in an unstable protein that has a destabilizing effect on the TSC1/TSC2 protein complex (PMID: 21309039); In silico analysis supports that this missense variant has a deleterious effect on protein structure/function; This variant is associated with the following publications: (PMID: 28152038, 20399389, 29281825, 25599672, 25432535, 28127866, 29655203, 33011641, 33623416, 41217309, 39110368, 18466115, 30787465, 35163267, 37901334, 38871000, 29432982, 34252879, 21910228, 35429229, 21309039)

Labcorp Genetics (formerly Invitae), Labcorp
Classification: Pathogenic for Tuberous sclerosis 2. Last evaluated: 2026-01-19. Review status: criteria provided, single submitter. Criteria: Invitae Variant Classification Sherloc (09022015). Collection method: clinical testing. Allele origin: germline.
Comment: This sequence change replaces arginine, which is basic and polar, with histidine, which is basic and polar, at codon 1713 of the TSC2 protein (p.Arg1713His). The frequency data for this variant in the population databases is considered unreliable, as metrics indicate poor data quality at this position in the gnomAD database. This missense change has been observed in individual(s) with tuberous sclerosis complex, hemimegalencephaly, and atypical presentation of tuberous sclerosis complex (PMID: 20399389, 21910228, 25599672, 28127866). It has also been observed to segregate with disease in related individuals. This missense change has been observed in at least one individual who was not affected with TSC2-related conditions (internal data). This variant is also known as R1690H. ClinVar contains an entry for this variant (Variation ID: 49930). Invitae Evidence Modeling of protein sequence and biophysical properties (such as structural, functional, and spatial information, amino acid conservation, physicochemical variation, residue mobility, and thermodynamic stability) has been performed for this missense variant. However, the output from this modeling did not meet the statistical confidence thresholds required to predict the impact of this variant on TSC2 protein function. Experimental studies have shown that this missense change affects TSC2 function (PMID: 21309039). For these reasons, this variant has been classified as Pathogenic.

Mayo Clinic Laboratories, Mayo Clinic
Classification: Likely pathogenic. Last evaluated: 2024-12-24. Review status: criteria provided, single submitter. Criteria: ACMG Guidelines, 2015. Collection method: clinical testing. Allele origin: germline. Observed: 2 variant alleles.
Comment: PP1, PP3_moderate, PP4, PM1, PM2_supporting, PM5_supporting, PM6, PS3_supporting, PS4_moderate

Ambry Genetics
Classification: Pathogenic for Hereditary cancer-predisposing syndrome. Last evaluated: 2024-11-06. Review status: criteria provided, single submitter. Criteria: Ambry Variant Classification Scheme 2023. Collection method: clinical testing. Allele origin: germline.
Comment: The p.R1713H pathogenic mutation (also known as c.5138G>A), located in coding exon 39 of the TSC2 gene, results from a G to A substitution at nucleotide position 5138. The arginine at codon 1713 is replaced by histidine, an amino acid with highly similar properties. This mutation has been reported in multiple individuals meeting clinical diagnostic criteria for tuberous sclerosis complex (TSC), including an individual with infantile-onset TSC and 2 unrelated children with classic TSC phenotypes and positive family histories (Hirfanoglu T and Gupta A Pediatr. Neurol. 2010; 42:343-7; Niemi AK et al. Am. J. Med. Genet. A 2011; 155A:2534-7). Interestingly, both individuals described by Niemi and colleagues presented with horseshoe kidney, a rarely-observed finding in TSC patients. Functional analyses of this alteration demonstrated significant associated reductions in both TSC2 stability and TSC1 protein levels compared to wild-type (Hoogeveen-Westerveld M et al. Hum. Mutat. 2011; 32:424-35). In addition, this mutation was reported in one patient with a diagnosis of hemimegalencephaly (D'Gama AM et al. Ann. Neurol., 2015 Apr;77:720-5). Another alteration at the same codon, p.R1713P, has been reported as a pathogenic de novo mutation in an individual with sporadic TSC (Leiden Open Variation Database (LOVD) [available from an online resource]). This amino acid position is highly conserved in available vertebrate species. In addition, this alteration is predicted to be deleterious by in silico analysis. Based on the supporting evidence, this alteration is interpreted as a disease-causing mutation.

Blueprint Genetics
Classification: Pathogenic for TSC2-related disorders. Last evaluated: 2024-03-14. Review status: criteria provided, single submitter. Criteria: ACMG Guidelines, 2015. Collection method: clinical testing. Allele origin: germline. Affected: yes. Observed: 3 variant alleles.

Myriad Genetics, Inc.
Classification: Likely pathogenic for Tuberous sclerosis 2. Last evaluated: 2023-09-05. Review status: criteria provided, single submitter. Criteria: Myriad Autosomal Dominant, Autosomal Recessive and X-Linked Classification Criteria (2023). Collection method: clinical testing. Allele origin: unknown.
Comment: This variant is considered likely pathogenic. This variant has been reported in multiple individuals with clinical features of gene-specific disease [PMID: 28127866, 25599672, 21910228, 20399389]. This variant is expected to disrupt protein structure [Myriad internal data]. Functional studies indicate this variant impacts protein function [PMID: 21309039].

All of Us Research Program, National Institutes of Health
Classification: Likely pathogenic for Tuberous sclerosis syndrome. Last evaluated: 2023-06-26. Review status: criteria provided, single submitter. Criteria: ACMG Guidelines, 2015. Collection method: clinical testing. Allele origin: germline. Inheritance: Autosomal dominant inheritance. Observed: 1 variant allele, 1 heterozygote.
Comment: This missense variant replaces arginine with histidine at codon 1713 of the TSC2 protein. Computational prediction suggests that this variant may have deleterious impact on protein structure and function (internally defined REVEL score threshold >= 0.7, PMID: 27666373). Functional studies with this variant have demonstrated that phosphorylation of S6 kinase was significantly increased compared to wild-type, indicating impairment of TSC1-TSC2 dependent inhibition of TORC1 activity (PMID: 21309039). This variant has been reported in multiple individuals affected with tuberous sclerosis complex (PMID: 20399389, 21910228, 28127866, 29432982, 34252879, 21910228, 28127866). It has been shown that this variant segregates with disease in multiple tuberous sclerosis families (PMID: 21910228, 28127866). This variant has been identified in 1/250330 chromosomes in the general population by the Genome Aggregation Database (gnomAD). Based on the available evidence, this variant is classified as Likely Pathogenic.

This study involves interpretation of variants in research participants for the purpose of population health screening. Participant phenotype was not available at the time of variant classification. Additional details can be found in publication PMID: 35346344, PMCID: PMC8962531

Color Diagnostics, LLC DBA Color Health
Classification: Likely pathogenic for Tuberous sclerosis syndrome. Last evaluated: 2023-04-27. Review status: criteria provided, single submitter. Criteria: ACMG Guidelines, 2015. Collection method: clinical testing. Allele origin: germline.
Comment: This missense variant replaces arginine with histidine at codon 1713 of the TSC2 protein. Computational prediction suggests that this variant may have deleterious impact on protein structure and function (internally defined REVEL score threshold >= 0.7, PMID: 27666373). Functional studies with this variant have demonstrated that phosphorylation of S6 kinase was significantly increased compared to wild-type, indicating impairment of TSC1-TSC2 dependent inhibition of TORC1 activity (PMID: 21309039). This variant has been reported in multiple individuals affected with tuberous sclerosis complex (PMID: 20399389, 21910228, 28127866, 29432982, 34252879, 21910228, 28127866). It has been shown that this variant segregates with disease in multiple tuberous sclerosis families (PMID: 21910228, 28127866). This variant has been identified in 1/250330 chromosomes in the general population by the Genome Aggregation Database (gnomAD). Based on the available evidence, this variant is classified as Likely Pathogenic.

Genome-Nilou Lab
Classification: Pathogenic for Tuberous sclerosis 2. Last evaluated: 2021-11-07. Review status: criteria provided, single submitter. Criteria: ACMG Guidelines, 2015. Collection method: clinical testing. Allele origin: germline. Affected: no.

Athena Diagnostics
Classification: Pathogenic. Last evaluated: 2021-02-22. Review status: criteria provided, single submitter. Criteria: Athena Diagnostics criteria. Collection method: clinical testing. Allele origin: unknown.
Comment: The frequency of this variant in the general population is consistent with pathogenicity. In some published literature, this variant is referred to as R1690H. At least one other missense variant at this codon is considered to be pathogenic or likely pathogenic, suggesting this variant may also cause disease. This variant appears to segregate with disease in at least one family. Assessment of experimental evidence suggests this variant results in abnormal protein function. This variant caused loss of inhibition of downstream signaling (PMID: 21309039). Computational tools predict that this variant is damaging.

Fulgent Genetics
Classification: Pathogenic for Lymphangiomyomatosis; Isolated focal cortical dysplasia type II; Tuberous sclerosis 2. Last evaluated: 2018-10-31. Review status: criteria provided, single submitter. Criteria: ACMG Guidelines, 2015. Collection method: clinical testing. Allele origin: unknown.

CeGaT Center for Human Genetics Tuebingen
Classification: Pathogenic. Last evaluated: 2017-08-01. Review status: criteria provided, single submitter. Criteria: CeGaT Center For Human Genetics Tuebingen Variant Classification Criteria Version 2. Collection method: clinical testing. Allele origin: germline. Affected: yes. Observed: 1 variant allele.

GeneReviews
No classification provided. Condition: Tuberous sclerosis 2. Review status: no classification provided. Collection method: literature only. Allele origin: germline. Not counted in ClinVar's aggregate classification.

Tuberous sclerosis database (TSC2)
No classification provided. Condition: TSC. Review status: no classification provided. Criteria: Tuberous Sclerosis Database Assertion Criteria 2015. Collection method: curation. Allele origin: germline. Affected: yes. Not counted in ClinVar's aggregate classification.

Literature cited by the submitters: PubMed 20399389 (cited by 7 submitters); PubMed 21910228 (cited by 7 submitters); PubMed 25599672 (cited by 5 submitters); PubMed 28127866 (cited by 6 submitters); PubMed 21309039 (cited by 7 submitters); PubMed 29432982 (cited by 3 submitters); PubMed 29655203 (cited by Mayo Clinic Laboratories, Mayo Clinic and Athena Diagnostics); PubMed 34252879 (cited by 3 submitters); PubMed 35429229 (cited by Mayo Clinic Laboratories, Mayo Clinic); PubMed 25432535 (cited by Athena Diagnostics).